The following is an entry in ClinVar:

ClinVar aggregate classification (germline): Pathogenic (1 of 4 stars; one submission).

gnomAD v4.1: 1 of 1,612,988 alleles (0.000062%); highest among the groups gnomAD compares: Admixed American, 0.0017%; no homozygotes.

Submission:

Labcorp Genetics (formerly Invitae), Labcorp
Classification: Pathogenic. Last evaluated: 2024-02-24. Review status: criteria provided, single submitter. Criteria: Invitae Variant Classification Sherloc (09022015). Collection method: clinical testing. Allele origin: germline.
Comment: This sequence change creates a premature translational stop signal (p.Gln530*) in the CEP78 gene. It is expected to result in an absent or disrupted protein product. Loss-of-function variants in CEP78 are known to be pathogenic (PMID: 27588451, 27588452, 27627988). This variant is present in population databases (rs748298025, gnomAD 0.006%). This variant has not been reported in the literature in individuals affected with CEP78-related conditions. For these reasons, this variant has been classified as Pathogenic.

Literature cited by the submitters: PubMed 27588451; PubMed 27588452; PubMed 27627988.

NM_001330691.3(CEP78):c.1585C>T (p.Gln529Ter)

Gene: CEP78 (centrosomal protein 78; plus strand). Cytogenetic location: 9q21.2.
Variant type: single nucleotide variant.
Coding change: c.1585C>T on transcript NM_001330691.3 (MANE Select); coding-DNA position 1585, C replaced by T.
Protein change: p.Gln529Ter; replaces glutamine 529 with a stop codon.
Molecular consequence: nonsense.
Genome position (GRCh38, 1-based): chr9:78,264,276, C>T. VCF-style: chr9-78264276-C-T. GRCh37 (hg19) VCF-style: chr9-80879192-C-T.
Other names: c.1588C>T, p.Gln530Ter (NM_001098802.3, NM_001349839.2, NM_001349840.2 and 1 more transcripts); c.1585C>T, p.Gln529Ter (NM_001330693.3, NM_001330694.2, NM_001349838.2); short protein forms Q529*, Q530*.
Identifiers: ClinVar variation 3679117 (VCV003679117.2).